The following is an entry in ClinVar:

NM_002291.3(LAMB1):c.1482G>T (p.Leu494=)

Gene: LAMB1 (laminin subunit beta 1; minus strand). Cytogenetic location: 7q31.1.
Variant type: single nucleotide variant.
Coding change: c.1482G>T on transcript NM_002291.3 (MANE Select); coding-DNA position 1482, G replaced by T.
Protein change: p.Leu494=; no amino-acid change (leucine 494 retained).
Molecular consequence: synonymous variant.
Genome position (GRCh38, 1-based): chr7:107,974,986, C>A on the plus strand (G>T on the coding strand, the complement: LAMB1 is on the minus strand). VCF-style: chr7-107974986-C-A. GRCh37 (hg19) VCF-style: chr7-107615431-C-A.
Identifiers: ClinVar variation 2784053 (VCV002784053.3), dbSNP rs1311255104, ClinGen allele CA457206668.

ClinVar aggregate classification (germline): Uncertain significance (1 of 4 stars; one submission).

Allele frequency attached by ClinVar (database versions not stated): gnomAD exomes below 0.00001.
gnomAD v4.1: 3 of 1,561,206 alleles (0.00019%); highest among the groups gnomAD compares: Non-Finnish European, 0.00018%; no homozygotes.

Submission:

Labcorp Genetics (formerly Invitae), Labcorp
Classification: Uncertain significance. Last evaluated: 2024-02-26. Review status: criteria provided, single submitter. Criteria: Invitae Variant Classification Sherloc (09022015). Collection method: clinical testing. Allele origin: germline.
Comment: This sequence change affects codon 494 of the LAMB1 mRNA. It is a 'silent' change, meaning that it does not change the encoded amino acid sequence of the LAMB1 protein. This variant also falls at the last nucleotide of exon 12, which is part of the consensus splice site for this exon. This variant is not present in population databases (gnomAD no frequency). This variant has not been reported in the literature in individuals affected with LAMB1-related conditions. Variants that disrupt the consensus splice site are a relatively common cause of aberrant splicing (PMID: 17576681, 9536098). Algorithms developed to predict the effect of sequence changes on RNA splicing suggest that this variant is not likely to affect RNA splicing. In summary, the available evidence is currently insufficient to determine the role of this variant in disease. Therefore, it has been classified as a Variant of Uncertain Significance.

Literature cited by the submitters: PubMed 17576681; PubMed 9536098.